The following is an entry in ClinVar:

ClinVar aggregate classification (germline): Likely pathogenic (1 of 4 stars; one submission).

Conditions:
Methylmalonic aciduria, cblB type (MACB). Also called: METHYLMALONIC ACIDURIA, VITAMIN B12-RESPONSIVE, DUE TO DEFECT IN SYNTHESIS OF ADENOSYLCOBALAMIN, cblB TYPE; Methylmalonic acidemia cblB type; Vitamin B12-responsive methylmalonic acidemia type cblB. Identifiers: Orphanet 28, Orphanet 79311, MedGen C1855102, MONDO:0009614, OMIM 251110.

Submission:

Natera, Inc.
Classification: Likely pathogenic for Methylmalonic aciduria cblB type. Last evaluated: 2025-06-16. Review status: criteria provided, single submitter. Criteria: Natera Variant Classification Schema (03/2026). Collection method: clinical testing. Allele origin: germline.
Comment: The c.226del variant in MMAB is a frameshift variant predicted to shift the reading frame beginning at codon 76 and leads to a stop codon 17 codons downstream. This variant is expected to result in nonsense mediated decay, truncation, or a dysfunctional protein product. This variant is rare in the general population with a frequency below the threshold expected for the associated phenotype(s). Given the available evidence, this variant is classified as Likely Pathogenic.

NM_052845.4(MMAB):c.226del (p.Arg76fs)

Gene: MMAB (metabolism of cobalamin associated B; minus strand). Cytogenetic location: 12q24.11.
Variant type: Deletion.
Coding change: c.226del on transcript NM_052845.4 (MANE Select); coding-DNA position 226, one base deleted (A; older notation c.226delA).
Protein change: p.Arg76fs; shifts the reading frame from arginine 76.
Molecular consequence: frameshift variant. On other transcripts: non-coding transcript variant (1).
Genome position (GRCh38, 1-based): chr12:109,568,834, T deleted on the plus strand (A on the coding strand, the reverse complement: MMAB is on the minus strand). VCF-style (leftmost placement, unchanged base first): chr12-109568833-CT-C. GRCh37 (hg19) VCF-style: chr12-110006638-CT-C.
Other names: short protein forms R76fs.
Identifiers: ClinVar variation 4816439 (VCV004816439.1).